The following is an entry in ClinVar:

NC_000007.13:g.(?_2559496)_(2594065_?)del

Genes: BRAT1 (BRCA1 associated ATM activator 1; minus strand), LFNG (LFNG O-fucosylpeptide 3-beta-N-acetylglucosaminyltransferase; plus strand). Cytogenetic location: 7p22.3.
Variant type: Deletion.
Identifiers: ClinVar variation 1073449 (VCV001073449.2).

ClinVar aggregate classification (germline): Pathogenic (1 of 4 stars; one submission).

Conditions:
Neonatal-onset encephalopathy with rigidity and seizures. Also called: Lethal neonatal spasticity-epileptic encephalopathy syndrome. Identifiers: Orphanet 435845, MedGen C3281029, MONDO:0013784, OMIM 614498.

Submission:

Labcorp Genetics (formerly Invitae), Labcorp
Classification: Pathogenic for Neonatal-onset encephalopathy with rigidity and seizures. Last evaluated: 2022-10-05. Review status: criteria provided, single submitter. Criteria: Invitae Variant Classification Sherloc (09022015). Collection method: clinical testing. Allele origin: germline.
Comment: A gross deletion of the genomic region encompassing the full coding sequence of the BRAT1 gene has been identified. Loss-of-function variants in BRAT1 are known to be pathogenic (PMID: 22279524, 25500575). The boundaries of this event are unknown as they extend beyond the assayed region for this gene and therefore may encompass additional genes. This variant has not been reported in the literature in individuals affected with BRAT1-related conditions. For these reasons, this variant has been classified as Pathogenic.

Literature cited by the submitters: PubMed 22279524; PubMed 25500575.